The following is an entry in ClinVar:

ClinVar aggregate classification (germline): Uncertain significance. Review status: criteria provided, multiple submitters, no conflicts (2 of 4 stars). 2 submissions from 2 submitters: Uncertain significance (2). Last evaluated 2024-10-15.

Conditions:
Hereditary cancer-predisposing syndrome. Also called: Hereditary neoplastic syndrome; Neoplastic Syndromes, Hereditary; Tumor predisposition; Hereditary Cancer Syndrome. Identifiers: Orphanet 140162, MedGen C0027672, MeSH D009386, MONDO:0015356.

gnomAD v4.1: 2 of 1,613,648 alleles (0.00012%); highest among the groups gnomAD compares: Non-Finnish European, 0.00017%; no homozygotes.

Submissions (2):

Ambry Genetics
Classification: Uncertain significance for Hereditary cancer-predisposing syndrome. Last evaluated: 2024-10-15. Review status: criteria provided, single submitter. Criteria: Ambry Variant Classification Scheme 2023. Collection method: clinical testing. Allele origin: germline.
Comment: The p.R563P variant (also known as c.1688G>C), located in coding exon 11 of the PMS2 gene, results from a G to C substitution at nucleotide position 1688. The arginine at codon 563 is replaced by proline, an amino acid with dissimilar properties. This amino acid position is not well conserved in available vertebrate species. In addition, the in silico prediction for this alteration is inconclusive. Based on the available evidence, the clinical significance of this variant remains unclear.

GeneDx
Classification: Uncertain significance. Last evaluated: 2019-06-28. Review status: criteria provided, single submitter. Criteria: GeneDx Variant Classification Process June 2021. Collection method: clinical testing. Allele origin: germline. Affected: yes.
Comment: Not observed in large population cohorts (Lek et al., 2016); In silico analysis, which includes protein predictors and evolutionary conservation, supports that this variant does not alter protein structure/function; Has not been previously published as pathogenic or benign to our knowledge

NM_000535.7(PMS2):c.1688G>C (p.Arg563Pro)

Gene: PMS2 (PMS1 homolog 2, mismatch repair system component; minus strand). Cytogenetic location: 7p22.1.
Variant type: single nucleotide variant.
Coding change: c.1688G>C on transcript NM_000535.7 (MANE Select); coding-DNA position 1688, G replaced by C.
Protein change: p.Arg563Pro; replaces arginine 563 with proline.
Molecular consequence: missense variant. On other transcripts: non-coding transcript variant (1).
Genome position (GRCh38, 1-based): chr7:5,987,077, C>G on the plus strand (G>C on the coding strand, the complement: PMS2 is on the minus strand). VCF-style: chr7-5987077-C-G. GRCh37 (hg19) VCF-style: chr7-6026708-C-G.
Other names: c.1283G>C, p.Arg428Pro (NM_001322003.2, NM_001322004.2, NM_001322005.2 and 1 more transcripts); c.1532G>C, p.Arg511Pro (NM_001322006.2); c.1370G>C, p.Arg457Pro (NM_001322007.2, NM_001322008.2); c.1127G>C, p.Arg376Pro (NM_001322010.2); c.755G>C, p.Arg252Pro (NM_001322011.2, NM_001322012.2); c.1115G>C, p.Arg372Pro (NM_001322013.2); c.1688G>C, p.Arg563Pro (NM_001322014.2); c.1379G>C, p.Arg460Pro (NM_001322015.2); short protein forms R252P, R372P, R376P, R428P, R457P, R460P, R511P, R563P.
Identifiers: ClinVar variation 1321131 (VCV001321131.3), dbSNP rs63750668, ClinGen allele CA366741194.
Genomic context (GRCh38, chr7:5,987,077, plus strand): 5'-TCTTCTTTTTTAAAACGCTTTGTGTTTGGGGTTGCGAGATTAGTTGGCTGAGGCAAAACT[C>G]GAAATTTACATCCGGTATCTTCCTGGTTTGAATGGCAGTCCACATCTGAAAAAGAGTCGT-3'
Protein context (NP_000526.2, residues 553-573): SNQEDTGCKF[Arg563Pro]VLPQPTNLAT